The following is an entry in ClinVar:

NM_003072.5(SMARCA4):c.362C>T (p.Pro121Leu)

Gene: SMARCA4 (SWI/SNF related BAF chromatin remodeling complex subunit ATPase 4; plus strand). Cytogenetic location: 19p13.2.
Variant type: single nucleotide variant.
Coding change: c.362C>T on transcript NM_003072.5 (MANE Select); coding-DNA position 362, C replaced by T.
Protein change: p.Pro121Leu; replaces proline 121 with leucine.
Molecular consequence: missense variant. On other transcripts: non-coding transcript variant (1).
Genome position (GRCh38, 1-based): chr19:10,986,195, C>T. VCF-style: chr19-10986195-C-T. GRCh37 (hg19) VCF-style: chr19-11096871-C-T.
Other names: c.362C>T, p.Pro121Leu (NM_001128844.3, NM_001128845.2, NM_001128846.2 and 5 more transcripts); c.362C>T (NM_001128849.1); short protein forms P121L.
Identifiers: ClinVar variation 1369256 (VCV001369256.9), dbSNP rs2086015204, ClinGen allele CA404055571.

ClinVar aggregate classification (germline): Uncertain significance. Review status: criteria provided, multiple submitters, no conflicts (2 of 4 stars). 2 submissions from 2 submitters: Uncertain significance (2). Last evaluated 2025-12-11.

Conditions:
Hereditary cancer-predisposing syndrome. Also called: Neoplastic Syndromes, Hereditary; Tumor predisposition; Hereditary neoplastic syndrome; Hereditary Cancer Syndrome. Identifiers: Orphanet 140162, MedGen C0027672, MeSH D009386, MONDO:0015356.
Rhabdoid tumor predisposition syndrome 2 (RTPS2). Identifiers: Orphanet 231108, Orphanet 69077, MedGen C2750074, MONDO:0013224, OMIM 613325.

Allele frequency attached by ClinVar (database versions not stated): gnomAD exomes below 0.00001; TOPMed below 0.00001.
gnomAD v4.1: 1 of 1,613,790 alleles (0.000062%); highest among the groups gnomAD compares: South Asian, 0.0011%; no homozygotes.

Submissions (2):

Ambry Genetics
Classification: Uncertain significance for Hereditary cancer-predisposing syndrome. Last evaluated: 2025-12-11. Review status: criteria provided, single submitter. Criteria: Ambry Variant Classification Scheme 2023. Collection method: clinical testing. Allele origin: germline.
Comment: The p.P121L variant (also known as c.362C>T), located in coding exon 3 of the SMARCA4 gene, results from a C to T substitution at nucleotide position 362. The proline at codon 121 is replaced by leucine, an amino acid with similar properties. This amino acid position is conserved. In addition, the in silico prediction for this alteration is inconclusive. Based on the available evidence, the clinical significance of this variant remains unclear.

Labcorp Genetics (formerly Invitae), Labcorp
Classification: Uncertain significance for Rhabdoid tumor predisposition syndrome 2. Last evaluated: 2024-06-02. Review status: criteria provided, single submitter. Criteria: Invitae Variant Classification Sherloc (09022015). Collection method: clinical testing. Allele origin: germline.
Comment: This sequence change replaces proline, which is neutral and non-polar, with leucine, which is neutral and non-polar, at codon 121 of the SMARCA4 protein (p.Pro121Leu). This variant is not present in population databases (gnomAD no frequency). This variant has not been reported in the literature in individuals affected with SMARCA4-related conditions. ClinVar contains an entry for this variant (Variation ID: 1369256). Advanced modeling of protein sequence and biophysical properties (such as structural, functional, and spatial information, amino acid conservation, physicochemical variation, residue mobility, and thermodynamic stability) has been performed at Invitae for this missense variant, however the output from this modeling did not meet the statistical confidence thresholds required to predict the impact of this variant on SMARCA4 protein function. In summary, the available evidence is currently insufficient to determine the role of this variant in disease. Therefore, it has been classified as a Variant of Uncertain Significance.